The following is an entry in ClinVar:

ClinVar aggregate classification (germline): Uncertain significance. Review status: criteria provided, multiple submitters, no conflicts (2 of 4 stars). 2 submissions from 2 submitters: Uncertain significance (2). Last evaluated 2025-12-08.

Conditions:
EGFR-related lung cancer (EGFR). Identifiers: MedGen CN130014.
Hereditary cancer-predisposing syndrome. Also called: Tumor predisposition; Hereditary Cancer Syndrome; Hereditary neoplastic syndrome; Neoplastic Syndromes, Hereditary. Identifiers: Orphanet 140162, MedGen C0027672, MeSH D009386, MONDO:0015356.

Allele frequency attached by ClinVar (database versions not stated): gnomAD exomes below 0.00001; ExAC 0.00001; gnomAD 0.00001; TOPMed 0.00001.
gnomAD v4.1: 8 of 1,612,740 alleles (0.0005%); highest among the groups gnomAD compares: Non-Finnish European, 0.00059%; no homozygotes.

Submissions (2):

Labcorp Genetics (formerly Invitae), Labcorp
Classification: Uncertain significance for EGFR-related lung cancer. Last evaluated: 2025-12-08. Review status: criteria provided, single submitter. Criteria: Invitae Variant Classification Sherloc (09022015). Collection method: clinical testing. Allele origin: germline.
Comment: This sequence change replaces glutamine, which is neutral and polar, with lysine, which is basic and polar, at codon 1067 of the EGFR protein (p.Gln1067Lys). This variant is present in population databases (rs778095401, gnomAD 0.002%). This variant has not been reported in the literature in individuals affected with EGFR-related conditions. ClinVar contains an entry for this variant (Variation ID: 1445095). An algorithm developed to predict the effect of missense changes on protein structure and function (PolyPhen-2) suggests that this variant is likely to be tolerated. In summary, the available evidence is currently insufficient to determine the role of this variant in disease. Therefore, it has been classified as a Variant of Uncertain Significance.

Ambry Genetics
Classification: Uncertain significance for Hereditary cancer-predisposing syndrome. Last evaluated: 2025-05-01. Review status: criteria provided, single submitter. Criteria: Ambry Variant Classification Scheme 2023. Collection method: clinical testing. Allele origin: germline.
Comment: The p.Q1067K variant (also known as c.3199C>A), located in coding exon 27 of the EGFR gene, results from a C to A substitution at nucleotide position 3199. The glutamine at codon 1067 is replaced by lysine, an amino acid with similar properties. This amino acid position is well conserved in available vertebrate species. In addition, the in silico prediction for this alteration is inconclusive. Based on the available evidence, the clinical significance of this variant remains unclear.

NM_005228.5(EGFR):c.3199C>A (p.Gln1067Lys)

Gene: EGFR (epidermal growth factor receptor; plus strand). Cytogenetic location: 7p11.2.
Variant type: single nucleotide variant.
Coding change: c.3199C>A on transcript NM_005228.5 (MANE Select); coding-DNA position 3199, C replaced by A.
Protein change: p.Gln1067Lys; replaces glutamine 1067 with lysine.
Molecular consequence: missense variant.
Genome position (GRCh38, 1-based): chr7:55,202,553, C>A. VCF-style: chr7-55202553-C-A. GRCh37 (hg19) VCF-style: chr7-55270246-C-A.
Other names: c.3064C>A, p.Gln1022Lys (NM_001346897.2, NM_001346899.2); c.3199C>A, p.Gln1067Lys (NM_001346898.2); c.3040C>A, p.Gln1014Lys (NM_001346900.2); c.2398C>A, p.Gln800Lys (NM_001346941.2); c.3199C>A (NM_005228.3); short protein forms Q1014K, Q1067K, Q800K, Q1022K.
Identifiers: ClinVar variation 1445095 (VCV001445095.7), dbSNP rs778095401, ClinGen allele CA4266318.
Genomic context (GRCh38, chr7:55,202,553, plus strand): 5'-ACCTTCCCTCATTTCCTCCTGCAGCTGCAAAGCTGTCCCATCAAGGAAGACAGCTTCTTG[C>A]AGCGATACAGCTCAGACCCCACAGGCGCCTTGACTGAGGACAGCATAGACGACACCTTCC-3'
Protein context (NP_005219.2, residues 1057-1077): SCPIKEDSFL[Gln1067Lys]RYSSDPTGAL